The following is an entry in ClinVar:

NM_004360.5(CDH1):c.1008+6G>A

Gene: CDH1 (cadherin 1; plus strand). Cytogenetic location: 16q22.1.
Variant type: single nucleotide variant.
Coding change: c.1008+6G>A on transcript NM_004360.5 (MANE Select); 6 bases into the intron after coding-DNA position 1008, G replaced by A.
Molecular consequence: intron variant.
Genome position (GRCh38, 1-based): chr16:68,811,865, G>A. VCF-style: chr16-68811865-G-A. GRCh37 (hg19) VCF-style: chr16-68845768-G-A.
Other names: c.-608+6G>A (NM_001317185.2); c.-812+6G>A (NM_001317186.2); c.1008+6G>A (NM_001317184.2).
Identifiers: ClinVar variation 1047513 (VCV001047513.9), dbSNP rs1960845278, ClinGen allele CA2229969199.

ClinVar aggregate classification (germline): Uncertain significance (1 of 4 stars; one submission).

Conditions:
Hereditary diffuse gastric adenocarcinoma (HDGC). Also called: DIFFUSE GASTRIC AND LOBULAR BREAST CANCER SYNDROME. Identifiers: Orphanet 26106, MedGen C1708349, MONDO:0007648, OMIM 137215.

Submission:

Labcorp Genetics (formerly Invitae), Labcorp
Classification: Uncertain significance for Hereditary diffuse gastric adenocarcinoma. Last evaluated: 2020-03-24. Review status: criteria provided, single submitter. Criteria: Invitae Variant Classification Sherloc (09022015). Collection method: clinical testing. Allele origin: germline.
Comment: This sequence change falls in intron 7 of the CDH1 gene. It does not directly change the encoded amino acid sequence of the CDH1 protein, but it affects a nucleotide within the consensus splice site of the intron. This variant is not present in population databases (ExAC no frequency). This variant has not been reported in the literature in individuals with CDH1-related conditions. Nucleotide substitutions within the consensus splice site are a relatively common cause of aberrant splicing (PMID: 17576681, 9536098). Algorithms developed to predict the effect of sequence changes on RNA splicing suggest that this variant is not likely to affect RNA splicing, but this prediction has not been confirmed by published transcriptional studies. In summary, the available evidence is currently insufficient to determine the role of this variant in disease. Therefore, it has been classified as a Variant of Uncertain Significance.

Literature cited by the submitters: PubMed 17576681; PubMed 9536098.